The following is an entry in ClinVar:

NM_058195.4(CDKN2A):c.155G>A (p.Ser52Asn)

Gene: CDKN2A (cyclin dependent kinase inhibitor 2A; minus strand). Cytogenetic location: 9p21.3.
Variant type: single nucleotide variant.
Coding change: c.155G>A on transcript NM_058195.4 (MANE Plus Clinical); coding-DNA position 155, G replaced by A.
Protein change: p.Ser52Asn; replaces serine 52 with asparagine.
Molecular consequence: missense variant. On other transcripts: intron variant (1).
Genome position (GRCh38, 1-based): chr9:21,994,177, C>T on the plus strand (G>A on the coding strand, the complement: CDKN2A is on the minus strand). VCF-style: chr9-21994177-C-T. GRCh37 (hg19) VCF-style: chr9-21994176-C-T.
Other names: c.-4+644G>A (NM_001363763.2); short protein forms S52N.
Identifiers: ClinVar variation 3241069 (VCV003241069.2), dbSNP rs2489326979.

ClinVar aggregate classification (germline): Uncertain significance. Review status: criteria provided, multiple submitters, no conflicts (2 of 4 stars). 2 submissions from 2 submitters: Uncertain significance (2). Last evaluated 2026-02-20.

Conditions:
Melanoma and neural system tumor syndrome. Also called: MELANOMA-ASTROCYTOMA SYNDROME. Identifiers: Orphanet 252206, MedGen C1835042, MONDO:0007967, OMIM 155755.
Hereditary cancer-predisposing syndrome. Also called: Tumor predisposition; Hereditary Cancer Syndrome; Hereditary neoplastic syndrome; Neoplastic Syndromes, Hereditary. Identifiers: Orphanet 140162, MedGen C0027672, MeSH D009386, MONDO:0015356.

Submissions (2):

Ambry Genetics
Classification: Uncertain significance for Hereditary cancer-predisposing syndrome. Last evaluated: 2026-02-20. Review status: criteria provided, single submitter. Criteria: Ambry Variant Classification Scheme 2023. Collection method: clinical testing. Allele origin: germline.
Comment: The p.S52N variant (also known as c.155G>A), located in coding exon 1 of the CDKN2A (p14ARF) gene, results from a G to A substitution at nucleotide position 155. The serine at codon 52 is replaced by asparagine, an amino acid with highly similar properties. This amino acid position is not well conserved in available vertebrate species. Based on the available evidence, the clinical significance of this variant remains unclear.

Baylor Genetics
Classification: Uncertain significance for Melanoma and neural system tumor syndrome. Last evaluated: 2024-03-28. Review status: criteria provided, single submitter. Criteria: ACMG Guidelines, 2015. Collection method: clinical testing. Allele origin: unknown.